The following is an entry in ClinVar:

ClinVar aggregate classification (germline): Benign/Likely benign. Review status: criteria provided, multiple submitters, no conflicts (2 of 4 stars). 3 submissions from 3 submitters: Benign (1); Likely benign (2). Last evaluated 2026-08-01.

Allele frequency attached by ClinVar (database versions not stated): gnomAD 0.00006 and 0.00007; gnomAD exomes 0.00011 and 0.00053; TOPMed 0.00022; ExAC 0.00041.
gnomAD v4.1: 163 of 1,613,896 alleles (0.01%); highest among the groups gnomAD compares: Admixed American, 0.26%; no homozygotes.

Submissions (3):

CeGaT Center for Human Genetics Tuebingen
Classification: Likely benign. Last evaluated: 2026-08-01. Review status: criteria provided, single submitter. Criteria: CeGaT Center For Human Genetics Tuebingen Variant Classification Criteria Version 2. Collection method: clinical testing. Allele origin: germline. Affected: yes. Observed: 2 variant alleles.
Comment: KMT2B: BP4, BP7

Labcorp Genetics (formerly Invitae), Labcorp
Classification: Benign. Last evaluated: 2025-12-21. Review status: criteria provided, single submitter. Criteria: Invitae Variant Classification Sherloc (09022015). Collection method: clinical testing. Allele origin: germline.

Blueprint Genetics
Classification: Likely benign. Last evaluated: 2020-12-21. Review status: criteria provided, single submitter. Criteria: ACMG Guidelines, 2015. Collection method: clinical testing. Allele origin: germline.

NM_014727.3(KMT2B):c.4752C>T (p.Cys1584=)

Gene: KMT2B (lysine methyltransferase 2B; plus strand). Cytogenetic location: 19q13.12.
Variant type: single nucleotide variant.
Coding change: c.4752C>T on transcript NM_014727.3 (MANE Select); coding-DNA position 4752, C replaced by T.
Protein change: p.Cys1584=; no amino-acid change (cysteine 1584 retained).
Molecular consequence: synonymous variant.
Genome position (GRCh38, 1-based): chr19:35,729,049, C>T. VCF-style: chr19-35729049-C-T. GRCh37 (hg19) VCF-style: chr19-36219950-C-T.
Identifiers: ClinVar variation 753957 (VCV000753957.15), dbSNP rs770832031, ClinGen allele CA9385203.
Genomic context (GRCh38, chr19:35,729,049, plus strand): 5'-CCAGGGCAAGGATCCGGCTGCCTTCTCACACCTGGAGGACCCCCGTCAGTGTGCACTCTG[C>T]CTCAAATACGGGGATGCAGACTCCAAGGTGAGGGCTGCTCTGTGACGCACCAGGTTGTGG-3'
Protein context (NP_055542.1, residues 1574-1594): HLEDPRQCAL[Cys1584=]LKYGDADSKE